The following is an entry in ClinVar:

NM_000179.3(MSH6):c.609A>T (p.Glu203Asp)

Gene: MSH6 (mutS homolog 6; plus strand). Cytogenetic location: 2p16.3.
Variant type: single nucleotide variant.
Coding change: c.609A>T on transcript NM_000179.3 (MANE Select); coding-DNA position 609, A replaced by T.
Protein change: p.Glu203Asp; replaces glutamic acid 203 with aspartic acid.
Molecular consequence: missense variant. On other transcripts: 5 prime UTR variant (1), intron variant (2).
Genome position (GRCh38, 1-based): chr2:47,796,045, A>T. VCF-style: chr2-47796045-A-T. GRCh37 (hg19) VCF-style: chr2-48023184-A-T.
Other names: c.-294A>T (NM_001281494.2); c.-279-2566A>T (NM_001281493.2); c.238-2566A>T (NM_001281492.2); short protein forms E203D.
Identifiers: ClinVar variation 948036 (VCV000948036.10), dbSNP rs536686679, ClinGen allele CA346738872.
Genomic context (GRCh38, chr2:47,796,045, plus strand): 5'-AAATAAAGACAAGATTAAGAGGCTTGAATTGGCAGTTTGTGATGAGCCCTCAGAGCCAGA[A>T]GAGGAAGAAGAGATGGAGGTGGGACACGGCAAGCATTCAGTTGTTATTTATGTTAGGGTG-3'
Protein context (NP_000170.1, residues 193-213): LAVCDEPSEP[Glu203Asp]EEEEMEVGTT

ClinVar aggregate classification (germline): Uncertain significance (1 of 4 stars; one submission).

Conditions:
Hereditary nonpolyposis colorectal neoplasms. Identifiers: MedGen C0009405, MeSH D003123.

Submission:

Labcorp Genetics (formerly Invitae), Labcorp
Classification: Uncertain significance for Hereditary nonpolyposis colorectal neoplasms. Last evaluated: 2019-07-08. Review status: criteria provided, single submitter. Criteria: Invitae Variant Classification Sherloc (09022015). Collection method: clinical testing. Allele origin: germline.
Comment: This sequence change replaces glutamic acid with aspartic acid at codon 203 of the MSH6 protein (p.Glu203Asp). The glutamic acid residue is moderately conserved and there is a small physicochemical difference between glutamic acid and aspartic acid. This variant is not present in population databases (ExAC no frequency). This variant has not been reported in the literature in individuals with MSH6-related conditions. Algorithms developed to predict the effect of missense changes on protein structure and function output the following: SIFT: "Tolerated"; PolyPhen-2: "Benign"; Align-GVGD: "Class C0". The aspartic acid amino acid residue is found in multiple mammalian species, suggesting that this missense change does not adversely affect protein function. These predictions have not been confirmed by published functional studies and their clinical significance is uncertain. In summary, the available evidence is currently insufficient to determine the role of this variant in disease. Therefore, it has been classified as a Variant of Uncertain Significance.